The following is an entry in ClinVar:

NM_001033561.2(PHF12):c.2977C>T (p.His993Tyr)

Gene: PHF12 (PHD finger protein 12; minus strand). Cytogenetic location: 17q11.2.
Variant type: single nucleotide variant.
Coding change: c.2977C>T on transcript NM_001033561.2 (MANE Select); coding-DNA position 2977, C replaced by T.
Protein change: p.His993Tyr; replaces histidine 993 with tyrosine.
Molecular consequence: missense variant. On other transcripts: 3 prime UTR variant (1).
Genome position (GRCh38, 1-based): chr17:28,906,221, G>A on the plus strand (C>T on the coding strand, the complement: PHF12 is on the minus strand). VCF-style: chr17-28906221-G-A. GRCh37 (hg19) VCF-style: chr17-27233239-G-A.
Other names: c.*3814C>T (NM_001290131.2); short protein forms H993Y.
Identifiers: ClinVar variation 3346884 (VCV003346884.1).

ClinVar aggregate classification (germline): Uncertain significance (0 of 4 stars; one submission).

Conditions:
PHF12-related disorder. Also called: PHF12-related condition.

Submission:

PreventionGenetics, part of Exact Sciences
Classification: Uncertain significance for PHF12-related condition. Last evaluated: 2024-08-06. Review status: no assertion criteria provided. Collection method: clinical testing. Allele origin: germline.
Comment: The PHF12 c.2977C>T variant is predicted to result in the amino acid substitution p.His993Tyr. To our knowledge, this variant has not been reported in the literature or in a large population database, indicating this variant is rare. At this time, the clinical significance of this variant is uncertain due to the absence of conclusive functional and genetic evidence.